The following is an entry in ClinVar:

NM_145239.3(PRRT2):c.14G>C (p.Ser5Thr)

Genes: MVP-DT (MVP divergent transcript; minus strand), PRRT2 (proline rich transmembrane protein 2; plus strand). Cytogenetic location: 16p11.2.
Variant type: single nucleotide variant.
Coding change: c.14G>C on transcript NM_145239.3 (MANE Select); coding-DNA position 14, G replaced by C.
Protein change: p.Ser5Thr; replaces serine 5 with threonine.
Molecular consequence: missense variant.
Genome position (GRCh38, 1-based): chr16:29,813,068, G>C. VCF-style: chr16-29813068-G-C. GRCh37 (hg19) VCF-style: chr16-29824389-G-C.
Other names: c.14G>C, p.Ser5Thr (NM_001256442.2, NM_001256443.2); short protein forms S5T.
Identifiers: ClinVar variation 206682 (VCV000206682.9), dbSNP rs745742339, ClinGen allele CA317017.
Genomic context (GRCh38, chr16:29,813,068, plus strand): 5'-CTATTCCATCCTCCCCATAGGGGCTCTCTCCCCTCTCCCATCTCAAGATGGCAGCCAGCA[G>C]CTCTGAGATCTCTGAGATGAAGGGGGTTGAGGAGAGTCCCAAGGTTCCAGGCGAAGGGCC-3'
Protein context (NP_660282.2, residues 1-15): MAAS[Ser5Thr]SEISEMKGVE

ClinVar aggregate classification (germline): Uncertain significance (1 of 4 stars; one submission).

Conditions:
Episodic kinesigenic dyskinesia (EKD). Also called: Paroxysmal kinesigenic dyskinesia. Identifiers: Orphanet 98809, MedGen C1868682, MONDO:0044202.

Allele frequency attached by ClinVar (database versions not stated): TOPMed below 0.00001; ExAC 0.00002; gnomAD exomes 0.00001.

Submission:

Labcorp Genetics (formerly Invitae), Labcorp
Classification: Uncertain significance for Episodic kinesigenic dyskinesia. Last evaluated: 2023-09-14. Review status: criteria provided, single submitter. Criteria: Invitae Variant Classification Sherloc (09022015). Collection method: clinical testing. Allele origin: germline.
Comment: This variant is present in population databases (rs745742339, gnomAD 0.006%). This sequence change replaces serine, which is neutral and polar, with threonine, which is neutral and polar, at codon 5 of the PRRT2 protein (p.Ser5Thr). This variant has not been reported in the literature in individuals affected with PRRT2-related conditions. ClinVar contains an entry for this variant (Variation ID: 206682). Advanced modeling of protein sequence and biophysical properties (such as structural, functional, and spatial information, amino acid conservation, physicochemical variation, residue mobility, and thermodynamic stability) performed at Invitae indicates that this missense variant is not expected to disrupt PRRT2 protein function. In summary, the available evidence is currently insufficient to determine the role of this variant in disease. Therefore, it has been classified as a Variant of Uncertain Significance.